The following is an entry in ClinVar:

ClinVar aggregate classification (germline): Uncertain significance (1 of 4 stars; one submission).

Conditions:
RFT1-congenital disorder of glycosylation (CDG1N). Also called: RFT1-CDG; Congenital disorder of glycosylation type In; CDG In. Identifiers: Orphanet 244310, MedGen C2677590, MONDO:0012783, OMIM 612015.

Allele frequency attached by ClinVar (database versions not stated): gnomAD exomes below 0.00001.
gnomAD v4.1: 1 of 1,553,696 alleles (0.000064%); highest among the groups gnomAD compares: Non-Finnish European, 0.000087%; no homozygotes.

Submission:

Labcorp Genetics (formerly Invitae), Labcorp
Classification: Uncertain significance for RFT1-congenital disorder of glycosylation. Last evaluated: 2022-03-01. Review status: criteria provided, single submitter. Criteria: Invitae Variant Classification Sherloc (09022015). Collection method: clinical testing. Allele origin: germline.
Comment: In summary, the available evidence is currently insufficient to determine the role of this variant in disease. Therefore, it has been classified as a Variant of Uncertain Significance. Algorithms developed to predict the effect of missense changes on protein structure and function output the following: SIFT: "Tolerated"; PolyPhen-2: "Benign"; Align-GVGD: "Class C0". The arginine amino acid residue is found in multiple mammalian species, which suggests that this missense change does not adversely affect protein function. This variant has not been reported in the literature in individuals affected with RFT1-related conditions. This variant is not present in population databases (gnomAD no frequency). This sequence change replaces glycine, which is neutral and non-polar, with arginine, which is basic and polar, at codon 2 of the RFT1 protein (p.Gly2Arg).

NM_052859.4(RFT1):c.4G>C (p.Gly2Arg)

Genes: RFT1 (RFT1 glycolipid translocator homolog; minus strand), LOC129936883 (ATAC-STARR-seq lymphoblastoid active region 19954; plus strand). Cytogenetic location: 3p21.1.
Variant type: single nucleotide variant.
Coding change: c.4G>C on transcript NM_052859.4 (MANE Select); coding-DNA position 4, G replaced by C.
Protein change: p.Gly2Arg; replaces glycine 2 with arginine.
Molecular consequence: missense variant.
Genome position (GRCh38, 1-based): chr3:53,130,397, C>G on the plus strand (G>C on the coding strand, the complement: RFT1 is on the minus strand). VCF-style: chr3-53130397-C-G. GRCh37 (hg19) VCF-style: chr3-53164413-C-G.
Other names: short protein forms G2R.
Identifiers: ClinVar variation 2092418 (VCV002092418.4), dbSNP rs2471023158, ClinGen allele CA353225351.
Genomic context (GRCh38, chr3:53,130,397, plus strand): 5'-CCTGCAGGAGGAGACCGGAGGAGGCCAGCCGGGCCGCGTGGCCCAGCACCTCCTGGCTGC[C>G]CATAGCCTCCGCGCCAGGCTCAGACACCAGGAAATGCCGCCGCCACTCCGTTTAGTCGCG-3'
Protein context (NP_443091.1, residues 1-12): M[Gly2Arg]SQEVLGHAAR